The following is an entry in ClinVar:

ClinVar aggregate classification (germline): Uncertain significance (1 of 4 stars; one submission).

Conditions:
Charcot-Marie-Tooth Neuropathy X. Identifiers: MedGen CN118851.

Submission:

Labcorp Genetics (formerly Invitae), Labcorp
Classification: Uncertain significance for Charcot-Marie-Tooth Neuropathy X. Last evaluated: 2022-05-19. Review status: criteria provided, single submitter. Criteria: Invitae Variant Classification Sherloc (09022015). Collection method: clinical testing. Allele origin: germline.
Comment: In summary, the available evidence is currently insufficient to determine the role of this variant in disease. Therefore, it has been classified as a Variant of Uncertain Significance. Algorithms developed to predict the effect of sequence changes on RNA splicing suggest that this variant may create or strengthen a splice site. Algorithms developed to predict the effect of missense changes on protein structure and function (SIFT, PolyPhen-2, Align-GVGD) all suggest that this variant is likely to be disruptive. ClinVar contains an entry for this variant (Variation ID: 946487). This variant has not been reported in the literature in individuals affected with GJB1-related conditions. This variant is not present in population databases (gnomAD no frequency). This sequence change replaces alanine, which is neutral and non-polar, with glycine, which is neutral and non-polar, at codon 88 of the GJB1 protein (p.Ala88Gly).

NM_000166.6(GJB1):c.263C>G (p.Ala88Gly)

Gene: GJB1 (gap junction protein beta 1; plus strand). Cytogenetic location: Xq13.1.
Variant type: single nucleotide variant.
Coding change: c.263C>G on transcript NM_000166.6 (MANE Select); coding-DNA position 263, C replaced by G.
Protein change: p.Ala88Gly; replaces alanine 88 with glycine.
Molecular consequence: missense variant.
Genome position (GRCh38, 1-based): chrX:71,223,970, C>G. VCF-style: chrX-71223970-C-G. GRCh37 (hg19) VCF-style: chrX-70443820-C-G.
Other names: c.263C>G, p.Ala88Gly (NM_001097642.3); short protein forms A88G.
Identifiers: ClinVar variation 946487 (VCV000946487.9), dbSNP rs2092543662, ClinGen allele CA413501700.
Genomic context (GRCh38, chrX:71,223,970, plus strand): 5'-TCTTCCCCATCTCCCATGTGCGGCTGTGGTCCCTGCAGCTCATCCTAGTTTCCACCCCAG[C>G]TCTCCTCGTGGCCATGCACGTGGCTCACCAGCAACACATAGAGAAGAAAATGCTACGGCT-3'
Protein context (NP_000157.1, residues 78-98): SLQLILVSTP[Ala88Gly]LLVAMHVAHQ